The following is an entry in ClinVar:

NM_000138.5(FBN1):c.1597G>T (p.Glu533Ter)

Gene: FBN1 (fibrillin 1; minus strand). Cytogenetic location: 15q21.1.
Variant type: single nucleotide variant.
Coding change: c.1597G>T on transcript NM_000138.5 (MANE Select); coding-DNA position 1597, G replaced by T.
Protein change: p.Glu533Ter; replaces glutamic acid 533 with a stop codon.
Molecular consequence: nonsense.
Genome position (GRCh38, 1-based): chr15:48,510,161, C>A on the plus strand (G>T on the coding strand, the complement: FBN1 is on the minus strand). VCF-style: chr15-48510161-C-A. GRCh37 (hg19) VCF-style: chr15-48802358-C-A.
Other names: c.1597G>T, p.Glu533Ter (NM_001406716.1); short protein forms E533*.
Identifiers: ClinVar variation 2036309 (VCV002036309.4), dbSNP rs2505606383, ClinGen allele CA392341373.

ClinVar aggregate classification (germline): Pathogenic (1 of 4 stars; one submission).

Conditions:
Familial thoracic aortic aneurysm and aortic dissection (TAAD). Also called: Thoracic aortic aneurysms and dissections. Identifiers: Orphanet 91387, MedGen C4707243, MONDO:0019625.
Marfan syndrome (MFS). Also called: MARFAN SYNDROME, TYPE I; Marfan syndrome type 1; Marfan's syndrome; Marfan syndrome, classic; FBN1-Related Marfan Syndrome. Identifiers: Orphanet 284963, Orphanet 558, MedGen C0024796, MONDO:0007947, OMIM 154700.

Submission:

Labcorp Genetics (formerly Invitae), Labcorp
Classification: Pathogenic for Marfan syndrome; Familial thoracic aortic aneurysm and aortic dissection. Last evaluated: 2025-07-16. Review status: criteria provided, single submitter. Criteria: Invitae Variant Classification Sherloc (09022015). Collection method: clinical testing. Allele origin: germline.
Comment: This sequence change creates a premature translational stop signal (p.Glu533*) in the FBN1 gene. It is expected to result in an absent or disrupted protein product. Loss-of-function variants in FBN1 are known to be pathogenic (PMID: 17657824, 19293843). This variant is not present in population databases (gnomAD no frequency). This variant has not been reported in the literature in individuals affected with FBN1-related conditions. ClinVar contains an entry for this variant (Variation ID: 2036309). For these reasons, this variant has been classified as Pathogenic.

Literature cited by the submitters: PubMed 17657824; PubMed 19293843.